The following is an entry in ClinVar:

ClinVar aggregate classification (germline): Uncertain significance. Review status: criteria provided, multiple submitters, no conflicts (2 of 4 stars). 3 submissions from 3 submitters: Uncertain significance (3). Last evaluated 2024-01-24.

Conditions:
Inborn genetic diseases. Identifiers: MedGen C0950123, MeSH D030342.

Allele frequency attached by ClinVar (database versions not stated): ExAC 0.00002; gnomAD exomes 0.00003 and 0.00006; TOPMed 0.00005; gnomAD 0.00006.

Submissions (3):

Ambry Genetics
Classification: Uncertain significance for Inborn genetic diseases. Last evaluated: 2024-01-24. Review status: criteria provided, single submitter. Criteria: Ambry Variant Classification Scheme 2023. Collection method: clinical testing. Allele origin: germline.

Labcorp Genetics (formerly Invitae), Labcorp
Classification: Uncertain significance. Last evaluated: 2023-08-04. Review status: criteria provided, single submitter. Criteria: Invitae Variant Classification Sherloc (09022015). Collection method: clinical testing. Allele origin: germline.
Comment: This sequence change replaces arginine, which is basic and polar, with histidine, which is basic and polar, at codon 714 of the CNTNAP1 protein (p.Arg714His). This variant is present in population databases (rs775785857, gnomAD 0.02%). This variant has not been reported in the literature in individuals affected with CNTNAP1-related conditions. ClinVar contains an entry for this variant (Variation ID: 1163600). An algorithm developed to predict the effect of missense changes on protein structure and function (PolyPhen-2) suggests that this variant is likely to be disruptive. In summary, the available evidence is currently insufficient to determine the role of this variant in disease. Therefore, it has been classified as a Variant of Uncertain Significance.

Mayo Clinic Laboratories, Mayo Clinic
Classification: Uncertain significance. Last evaluated: 2021-08-04. Review status: criteria provided, single submitter. Criteria: ACMG Guidelines, 2015. Collection method: clinical testing. Allele origin: germline.

NM_003632.3(CNTNAP1):c.2141G>A (p.Arg714His)

Gene: CNTNAP1 (contactin associated protein 1; plus strand). Cytogenetic location: 17q21.2.
Variant type: single nucleotide variant.
Coding change: c.2141G>A on transcript NM_003632.3 (MANE Select); coding-DNA position 2141, G replaced by A.
Protein change: p.Arg714His; replaces arginine 714 with histidine.
Molecular consequence: missense variant.
Genome position (GRCh38, 1-based): chr17:42,691,218, G>A. VCF-style: chr17-42691218-G-A. GRCh37 (hg19) VCF-style: chr17-40843236-G-A.
Other names: short protein forms R714H.
Identifiers: ClinVar variation 1163600 (VCV001163600.10), dbSNP rs775785857, ClinGen allele CA8581973.